The following is an entry in ClinVar:

NM_001845.6(COL4A1):c.1019T>C (p.Leu340Ser)

Gene: COL4A1 (collagen type IV alpha 1 chain; minus strand). Cytogenetic location: 13q34.
Variant type: single nucleotide variant.
Coding change: c.1019T>C on transcript NM_001845.6 (MANE Select); coding-DNA position 1019, T replaced by C.
Protein change: p.Leu340Ser; replaces leucine 340 with serine.
Molecular consequence: missense variant.
Genome position (GRCh38, 1-based): chr13:110,201,503, A>G on the plus strand (T>C on the coding strand, the complement: COL4A1 is on the minus strand). VCF-style: chr13-110201503-A-G. GRCh37 (hg19) VCF-style: chr13-110853850-A-G.
Other names: c.1019T>C, p.Leu340Ser (NM_001303110.2); short protein forms L340S.
Identifiers: ClinVar variation 1318498 (VCV001318498.2), dbSNP rs2139191610, ClinGen allele CA388724453.

ClinVar aggregate classification (germline): Uncertain significance (1 of 4 stars; one submission).

Allele frequency attached by ClinVar (database versions not stated): gnomAD exomes below 0.00001.
gnomAD v4.1: 2 of 1,614,152 alleles (0.00012%); highest among the groups gnomAD compares: Non-Finnish European, 0.00017%; no homozygotes.

Submission:

GeneDx
Classification: Uncertain significance. Last evaluated: 2019-02-15. Review status: criteria provided, single submitter. Criteria: GeneDx Variant Classification Process June 2021. Collection method: clinical testing. Allele origin: germline. Affected: yes.
Comment: Not observed in large population cohorts (Lek et al., 2016; McVean et al., 2012; Exome Variant Server); In silico analysis, which includes protein predictors and evolutionary conservation, supports that this variant does not alter protein structure/function; Has not been previously published as pathogenic or benign to our knowledge